The following is an entry in ClinVar:

NM_001130438.3(SPTAN1):c.6529A>G (p.Met2177Val)

Gene: SPTAN1 (spectrin alpha, non-erythrocytic 1; plus strand). Cytogenetic location: 9q34.11.
Variant type: single nucleotide variant.
Coding change: c.6529A>G on transcript NM_001130438.3 (MANE Select); coding-DNA position 6529, A replaced by G.
Protein change: p.Met2177Val; replaces methionine 2177 with valine.
Molecular consequence: missense variant.
Genome position (GRCh38, 1-based): chr9:128,626,640, A>G. VCF-style: chr9-128626640-A-G. GRCh37 (hg19) VCF-style: chr9-131388919-A-G.
Other names: c.6454A>G, p.Met2152Val (NM_001195532.2); c.6529A>G, p.Met2177Val (NM_001363759.2, NM_001375310.1, NM_001375311.2 and 1 more transcripts); c.6469A>G, p.Met2157Val (NM_001363765.2, NM_001375314.2); c.6565A>G, p.Met2189Val (NM_001375312.2, NM_001375318.1); c.6514A>G, p.Met2172Val (NM_003127.4); short protein forms M2152V, M2157V, M2177V, M2172V, M2189V.
Identifiers: ClinVar variation 3719316 (VCV003719316.2).

ClinVar aggregate classification (germline): Uncertain significance (1 of 4 stars; one submission).

Conditions:
Early-infantile DEE. Also called: Ohtahara syndrome; Early infantile epileptic encephalopathy with suppression bursts; Early infantile epileptic encephalopathy. Identifiers: Orphanet 1934, MedGen C0393706, MONDO:0800491.

gnomAD v4.1: 10 of 1,613,596 alleles (0.00062%); highest among the groups gnomAD compares: Non-Finnish European, 0.00068%; no homozygotes.

Submission:

Labcorp Genetics (formerly Invitae), Labcorp
Classification: Uncertain significance for Early-infantile DEE. Last evaluated: 2024-05-27. Review status: criteria provided, single submitter. Criteria: Invitae Variant Classification Sherloc (09022015). Collection method: clinical testing. Allele origin: germline.
Comment: This sequence change replaces methionine, which is neutral and non-polar, with valine, which is neutral and non-polar, at codon 2177 of the SPTAN1 protein (p.Met2177Val). This variant is present in population databases (rs750635508, gnomAD 0.002%). This variant has not been reported in the literature in individuals affected with SPTAN1-related conditions. Advanced modeling of protein sequence and biophysical properties (such as structural, functional, and spatial information, amino acid conservation, physicochemical variation, residue mobility, and thermodynamic stability) has been performed at Invitae for this missense variant, however the output from this modeling did not meet the statistical confidence thresholds required to predict the impact of this variant on SPTAN1 protein function. In summary, the available evidence is currently insufficient to determine the role of this variant in disease. Therefore, it has been classified as a Variant of Uncertain Significance.